The following is an entry in ClinVar:

NM_002474.3(MYH11):c.5461G>A (p.Ala1821Thr)

Genes: MYH11 (myosin heavy chain 11; minus strand), NDE1 (nudE neurodevelopment protein 1; plus strand). Cytogenetic location: 16p13.11.
Variant type: single nucleotide variant.
Coding change: c.5461G>A on transcript NM_002474.3 (MANE Select); coding-DNA position 5461, G replaced by A.
Protein change: p.Ala1821Thr; replaces alanine 1821 with threonine.
Molecular consequence: missense variant. On other transcripts: intron variant (2).
Genome position (GRCh38, 1-based): chr16:15,717,183, C>T on the plus strand (G>A on the coding strand, the complement: MYH11 is on the minus strand). VCF-style: chr16-15717183-C-T. GRCh37 (hg19) VCF-style: chr16-15811040-C-T.
Other names: c.5482G>A, p.Ala1828Thr (NM_001040113.2, NM_001040114.2); c.5461G>A, p.Ala1821Thr (NM_022844.3); c.948-7008C>T (NM_001143979.2, NM_017668.3); c.5461G>A (NM_002474.2); short protein forms A1821T, A1828T.
Identifiers: ClinVar variation 2904743 (VCV002904743.7), dbSNP rs773689672, ClinGen allele CA7921264.

ClinVar aggregate classification (germline): Uncertain significance. Review status: criteria provided, multiple submitters, no conflicts (2 of 4 stars). 5 submissions from 5 submitters: Uncertain significance (5). Last evaluated 2026-09-11.

Conditions:
Aortic aneurysm, familial thoracic 4 (AAT4). Also called: AORTIC ANEURYSM/AORTIC DISSECTION AND PATENT DUCTUS ARTERIOSUS. Identifiers: MedGen C1851504, MONDO:0007568, OMIM 132900.
Familial thoracic aortic aneurysm and aortic dissection (TAAD). Also called: Thoracic aortic aneurysms and dissections. Identifiers: Orphanet 91387, MedGen C4707243, MONDO:0019625.

Allele frequency attached by ClinVar (database versions not stated): gnomAD exomes 0.00001; TOPMed below 0.00001; ExAC 0.00001; gnomAD 0.00001.
gnomAD v4.1: 13 of 1,614,092 alleles (0.00081%); highest among the groups gnomAD compares: East Asian, 0.013%; no homozygotes.

Submissions (5):

Ambry Genetics
Classification: Uncertain significance for Familial thoracic aortic aneurysm and aortic dissection. Last evaluated: 2026-09-11. Review status: criteria provided, single submitter. Criteria: Ambry Variant Classification Scheme 2023. Collection method: clinical testing. Allele origin: germline.
Comment: The p.A1821T variant (also known as c.5461G>A), located in coding exon 37 of the MYH11 gene, results from a G to A substitution at nucleotide position 5461. The alanine at codon 1821 is replaced by threonine, an amino acid with similar properties. This amino acid position is well conserved in available vertebrate species. In addition, this alteration is predicted to be tolerated by in silico analysis. Based on the available evidence, the clinical significance of this variant remains unclear.

Women's Health and Genetics/Laboratory Corporation of America, LabCorp
Classification: Uncertain significance. Last evaluated: 2026-05-24. Review status: criteria provided, single submitter. Criteria: LabCorp Variant Classification Summary - May 2015. Collection method: clinical testing. Allele origin: germline.

Color Diagnostics, LLC DBA Color Health
Classification: Uncertain significance for Familial thoracic aortic aneurysm and aortic dissection. Last evaluated: 2025-11-10. Review status: criteria provided, single submitter. Criteria: ACMG Guidelines, 2015. Collection method: clinical testing. Allele origin: germline.
Comment: This missense variant replaces alanine with threonine at codon 1828 of the MYH11 protein. Computational prediction suggests that this variant may not impact protein structure and function. To our knowledge, functional studies have not been reported for this variant. This variant has not been reported in individuals affected with MYH11-related disorders in the literature. This variant has been identified in 2/251288 chromosomes in the general population by the Genome Aggregation Database (gnomAD). The available evidence is insufficient to determine the role of this variant in disease conclusively. Therefore, this variant is classified as a Variant of Uncertain Significance.

All of Us Research Program, National Institutes of Health
Classification: Uncertain significance for Familial thoracic aortic aneurysm and aortic dissection. Last evaluated: 2024-02-22. Review status: criteria provided, single submitter. Criteria: ACMG Guidelines, 2015. Collection method: clinical testing. Allele origin: germline. Inheritance: Autosomal dominant inheritance. Observed: 1 variant allele, 1 heterozygote.
Comment: This missense variant replaces alanine with threonine at codon 1828 of the MYH11 protein. Computational prediction suggests that this variant may not impact protein structure and function (internally defined REVEL score threshold <= 0.5, PMID: 27666373). To our knowledge, functional studies have not been reported for this variant. This variant has not been reported in individuals affected with MYH11-related disorders in the literature. This variant has been identified in 2/251288 chromosomes in the general population by the Genome Aggregation Database (gnomAD). The available evidence is insufficient to determine the role of this variant in disease conclusively. Therefore, this variant is classified as a Variant of Uncertain Significance.

This study involves interpretation of variants in research participants for the purpose of population health screening. Participant phenotype was not available at the time of variant classification. Additional details can be found in publication PMID: 35346344, PMCID: PMC8962531

Labcorp Genetics (formerly Invitae), Labcorp
Classification: Uncertain significance for Aortic aneurysm, familial thoracic 4. Last evaluated: 2023-04-22. Review status: criteria provided, single submitter. Criteria: Invitae Variant Classification Sherloc (09022015). Collection method: clinical testing. Allele origin: germline.
Comment: In summary, the available evidence is currently insufficient to determine the role of this variant in disease. Therefore, it has been classified as a Variant of Uncertain Significance. Advanced modeling of protein sequence and biophysical properties (such as structural, functional, and spatial information, amino acid conservation, physicochemical variation, residue mobility, and thermodynamic stability) performed at Invitae indicates that this missense variant is not expected to disrupt MYH11 protein function. This variant has not been reported in the literature in individuals affected with MYH11-related conditions. This variant is present in population databases (rs773689672, gnomAD 0.006%). This sequence change replaces alanine, which is neutral and non-polar, with threonine, which is neutral and polar, at codon 1828 of the MYH11 protein (p.Ala1828Thr).